The following is an entry in ClinVar:

NM_006231.4(POLE):c.5516G>T (p.Arg1839Leu)

Gene: POLE (DNA polymerase epsilon, catalytic subunit; minus strand). Cytogenetic location: 12q24.33.
Variant type: single nucleotide variant.
Coding change: c.5516G>T on transcript NM_006231.4 (MANE Select); coding-DNA position 5516, G replaced by T.
Protein change: p.Arg1839Leu; replaces arginine 1839 with leucine.
Molecular consequence: missense variant.
Genome position (GRCh38, 1-based): chr12:132,639,161, C>A on the plus strand (G>T on the coding strand, the complement: POLE is on the minus strand). VCF-style: chr12-132639161-C-A. GRCh37 (hg19) VCF-style: chr12-133215747-C-A.
Other names: short protein forms R1839L.
Identifiers: ClinVar variation 998566 (VCV000998566.9), dbSNP rs370512955, ClinGen allele CA387374607.

ClinVar aggregate classification (germline): Uncertain significance (1 of 4 stars; one submission).

gnomAD v4.1: 1 of 1,614,046 alleles (0.000062%); highest among the groups gnomAD compares: Non-Finnish European, 0.000085%; no homozygotes.

Submission:

Labcorp Genetics (formerly Invitae), Labcorp
Classification: Uncertain significance. Last evaluated: 2020-02-11. Review status: criteria provided, single submitter. Criteria: Invitae Variant Classification Sherloc (09022015). Collection method: clinical testing. Allele origin: germline.
Comment: In summary, the available evidence is currently insufficient to determine the role of this variant in disease. Therefore, it has been classified as a Variant of Uncertain Significance. Algorithms developed to predict the effect of missense changes on protein structure and function are either unavailable or do not agree on the potential impact of this missense change (SIFT: "Tolerated"; PolyPhen-2: "Probably Damaging"; Align-GVGD: "Class C0"). This variant has not been reported in the literature in individuals with POLE-related conditions. This variant is not present in population databases (ExAC no frequency). This sequence change replaces arginine with leucine at codon 1839 of the POLE protein (p.Arg1839Leu). The arginine residue is highly conserved and there is a moderate physicochemical difference between arginine and leucine.